The following is an entry in ClinVar:

ClinVar aggregate classification (germline): Uncertain significance (1 of 4 stars; one submission).

Submission:

Labcorp Genetics (formerly Invitae), Labcorp
Classification: Uncertain significance. Last evaluated: 2022-08-19. Review status: criteria provided, single submitter. Criteria: Invitae Variant Classification Sherloc (09022015). Collection method: clinical testing. Allele origin: germline.
Comment: This sequence change replaces proline, which is neutral and non-polar, with serine, which is neutral and polar, at codon 1822 of the LRP2 protein (p.Pro1822Ser). This variant is not present in population databases (gnomAD no frequency). This variant has not been reported in the literature in individuals affected with LRP2-related conditions. Advanced modeling of protein sequence and biophysical properties (such as structural, functional, and spatial information, amino acid conservation, physicochemical variation, residue mobility, and thermodynamic stability) performed at Invitae indicates that this missense variant is not expected to disrupt LRP2 protein function. In summary, the available evidence is currently insufficient to determine the role of this variant in disease. Therefore, it has been classified as a Variant of Uncertain Significance.

NM_004525.3(LRP2):c.5464C>T (p.Pro1822Ser)

Gene: LRP2 (LDL receptor related protein 2; minus strand). Cytogenetic location: 2q31.1.
Variant type: single nucleotide variant.
Coding change: c.5464C>T on transcript NM_004525.3 (MANE Select); coding-DNA position 5464, C replaced by T.
Protein change: p.Pro1822Ser; replaces proline 1822 with serine.
Molecular consequence: missense variant.
Genome position (GRCh38, 1-based): chr2:169,225,384, G>A on the plus strand (C>T on the coding strand, the complement: LRP2 is on the minus strand). VCF-style: chr2-169225384-G-A. GRCh37 (hg19) VCF-style: chr2-170081894-G-A.
Other names: short protein forms P1822S.
Identifiers: ClinVar variation 1960562 (VCV001960562.2), dbSNP rs763507353, ClinGen allele CA349139177.